The following is an entry in ClinVar:

NM_004006.3(DMD):c.8217A>C (p.Gln2739His)

Gene: DMD (dystrophin; minus strand). Cytogenetic location: Xp21.1.
Variant type: single nucleotide variant.
Coding change: c.8217A>C on transcript NM_004006.3 (MANE Select); coding-DNA position 8217, A replaced by C.
Protein change: p.Gln2739His; replaces glutamine 2739 with histidine.
Molecular consequence: missense variant.
Genome position (GRCh38, 1-based): chrX:31,627,673, T>G on the plus strand (A>C on the coding strand, the complement: DMD is on the minus strand). VCF-style: chrX-31627673-T-G. GRCh37 (hg19) VCF-style: chrX-31645790-T-G.
Other names: c.8193A>C, p.Gln2731His (NM_000109.4); c.8205A>C, p.Gln2735His (NM_004009.3); c.7848A>C, p.Gln2616His (NM_004010.3); c.4194A>C, p.Gln1398His (NM_004011.4); c.4185A>C, p.Gln1395His (NM_004012.4); c.837A>C, p.Gln279His (NM_004013.3, NM_004020.4, NM_004021.3 and 2 more transcripts); short protein forms Q1395H, Q2731H, Q2739H, Q279H, Q1398H, Q2616H, Q2735H.
Identifiers: ClinVar variation 3723662 (VCV003723662.2).

ClinVar aggregate classification (germline): Uncertain significance (1 of 4 stars; one submission).

Conditions:
Duchenne muscular dystrophy (DMD). Also called: Duchenne Muscular Dystrophy (DMD); MUSCULAR DYSTROPHY, PSEUDOHYPERTROPHIC PROGRESSIVE, DUCHENNE TYPE. Identifiers: Orphanet 98896, MedGen C0013264, MONDO:0010679, OMIM 310200.

Submission:

Labcorp Genetics (formerly Invitae), Labcorp
Classification: Uncertain significance for Duchenne muscular dystrophy. Last evaluated: 2024-10-23. Review status: criteria provided, single submitter. Criteria: Invitae Variant Classification Sherloc (09022015). Collection method: clinical testing. Allele origin: germline.
Comment: This sequence change replaces glutamine, which is neutral and polar, with histidine, which is basic and polar, at codon 2739 of the DMD protein (p.Gln2739His). This variant is not present in population databases (gnomAD no frequency). This variant has not been reported in the literature in individuals affected with DMD-related conditions. An algorithm developed to predict the effect of missense changes on protein structure and function (PolyPhen-2) suggests that this variant is likely to be tolerated. In summary, the available evidence is currently insufficient to determine the role of this variant in disease. Therefore, it has been classified as a Variant of Uncertain Significance.